The following is an entry in ClinVar:

NM_139318.5(KCNH5):c.1220G>C (p.Gly407Ala)

Gene: KCNH5 (potassium voltage-gated channel subfamily H member 5; minus strand). Cytogenetic location: 14q23.2.
Variant type: single nucleotide variant.
Coding change: c.1220G>C on transcript NM_139318.5 (MANE Select); coding-DNA position 1220, G replaced by C.
Protein change: p.Gly407Ala; replaces glycine 407 with alanine.
Molecular consequence: missense variant.
Genome position (GRCh38, 1-based): chr14:62,950,282, C>G on the plus strand (G>C on the coding strand, the complement: KCNH5 is on the minus strand). VCF-style: chr14-62950282-C-G. GRCh37 (hg19) VCF-style: chr14-63417000-C-G.
Other names: c.1220G>C, p.Gly407Ala (NM_172375.3); short protein forms G407A.
Identifiers: ClinVar variation 950621 (VCV000950621.2), dbSNP rs1889974797, ClinGen allele CA390102998.

ClinVar aggregate classification (germline): Uncertain significance (1 of 4 stars; one submission).

Conditions:
Developmental and epileptic encephalopathy. Identifiers: MedGen C5779964, MONDO:0100620.

Submission:

Labcorp Genetics (formerly Invitae), Labcorp
Classification: Uncertain significance for Early infantile epileptic encephalopathy with suppression bursts. Last evaluated: 2019-07-08. Review status: criteria provided, single submitter. Criteria: Invitae Variant Classification Sherloc (09022015). Collection method: clinical testing. Allele origin: germline.
Comment: This sequence change replaces glycine with alanine at codon 407 of the KCNH5 protein (p.Gly407Ala). The glycine residue is highly conserved and there is a small physicochemical difference between glycine and alanine. This variant is not present in population databases (ExAC no frequency). This variant has not been reported in the literature in individuals with KCNH5-related conditions. Algorithms developed to predict the effect of missense changes on protein structure and function are either unavailable or do not agree on the potential impact of this missense change (SIFT: "Tolerated"; PolyPhen-2: "Probably Damaging"; Align-GVGD: "Class C0"). In summary, the available evidence is currently insufficient to determine the role of this variant in disease. Therefore, it has been classified as a Variant of Uncertain Significance.